The following is an entry in ClinVar:

ClinVar aggregate classification (germline): Uncertain significance (1 of 4 stars; one submission).

Allele frequency attached by ClinVar (database versions not stated): TOPMed below 0.00001; ExAC 0.00001; gnomAD exomes 0.00001.
gnomAD v4.1: 10 of 1,609,070 alleles (0.00062%); highest among the groups gnomAD compares: Non-Finnish European, 0.00076%; no homozygotes.

Submission:

Labcorp Genetics (formerly Invitae), Labcorp
Classification: Uncertain significance. Last evaluated: 2022-05-05. Review status: criteria provided, single submitter. Criteria: Invitae Variant Classification Sherloc (09022015). Collection method: clinical testing. Allele origin: germline.
Comment: This sequence change replaces arginine, which is basic and polar, with lysine, which is basic and polar, at codon 1000 of the COL18A1 protein (p.Arg1000Lys). This variant is present in population databases (rs746755471, gnomAD 0.003%). This variant has not been reported in the literature in individuals affected with COL18A1-related conditions. Experimental studies and prediction algorithms are not available or were not evaluated, and the functional significance of this variant is currently unknown. In summary, the available evidence is currently insufficient to determine the role of this variant in disease. Therefore, it has been classified as a Variant of Uncertain Significance.

NM_001379500.1(COL18A1):c.3008G>A (p.Arg1003Lys)

Genes: COL18A1 (collagen type XVIII alpha 1 chain; plus strand), SLC19A1 (solute carrier family 19 member 1; minus strand). Cytogenetic location: 21q22.3.
Variant type: single nucleotide variant.
Coding change: c.3008G>A on transcript NM_001379500.1 (MANE Select); coding-DNA position 3008, G replaced by A.
Protein change: p.Arg1003Lys; replaces arginine 1003 with lysine.
Molecular consequence: missense variant.
Genome position (GRCh38, 1-based): chr21:45,505,273, G>A. VCF-style: chr21-45505273-G-A. GRCh37 (hg19) VCF-style: chr21-46925187-G-A.
Other names: c.3539G>A, p.Arg1180Lys (NM_030582.4); c.4244G>A, p.Arg1415Lys (NM_130444.3); short protein forms R1415K, R1180K, R1003K.
Identifiers: ClinVar variation 2139728 (VCV002139728.1), dbSNP rs746755471, ClinGen allele CA10067605.